The following is an entry in ClinVar:

NM_001374736.1(DST):c.22822G>T (p.Gly7608Cys)

Gene: DST (dystonin; minus strand). Cytogenetic location: 6p12.1.
Variant type: single nucleotide variant.
Coding change: c.22822G>T on transcript NM_001374736.1 (MANE Select); coding-DNA position 22822, G replaced by T.
Protein change: p.Gly7608Cys; replaces glycine 7608 with cysteine.
Molecular consequence: missense variant.
Genome position (GRCh38, 1-based): chr6:56,463,702, C>A on the plus strand (G>T on the coding strand, the complement: DST is on the minus strand). VCF-style: chr6-56463702-C-A. GRCh37 (hg19) VCF-style: chr6-56328500-C-A.
Other names: c.16393G>T, p.Gly5465Cys (NM_001144769.5); c.15979G>T, p.Gly5327Cys (NM_001144770.2); c.22750G>T, p.Gly7584Cys (NM_001374722.1); c.21862G>T, p.Gly7288Cys (NM_001374729.1); c.15604G>T, p.Gly5202Cys (NM_001374730.1); c.22777G>T, p.Gly7593Cys (NM_001374734.1); c.14881G>T, p.Gly4961Cys (NM_015548.5); c.15859G>T, p.Gly5287Cys (NM_183380.4); short protein forms G5465C, G7584C, G7608C, G5327C, G7593C, G7288C, G4961C, G5202C.
Identifiers: ClinVar variation 967877 (VCV000967877.8), dbSNP rs753485138, ClinGen allele CA3866135.

ClinVar aggregate classification (germline): Uncertain significance. Review status: criteria provided, multiple submitters, no conflicts (2 of 4 stars). 2 submissions from 2 submitters: Uncertain significance (2). Last evaluated 2022-08-03.

Conditions:
Hereditary sensory and autonomic neuropathy type 6. Also called: Neuropathy, hereditary sensory and autonomic, type VI; HSAN VI. Identifiers: Orphanet 314381, MedGen C3539003, MONDO:0013839, OMIM 614653.
Epidermolysis bullosa simplex 3, localized or generalized intermediate, with BP230 deficiency (EBS3). Also called: Epidermolysis bullosa simplex, autosomal recessive 2; Epidermolysis bullosa simplex due to BP230 deficiency. Identifiers: Orphanet 412181, MedGen C3809470, MONDO:0014180, OMIM 615425.

Allele frequency attached by ClinVar (database versions not stated): gnomAD exomes below 0.00001; ExAC 0.00001; gnomAD 0.00001 and 0.00003; TOPMed 0.00001.
gnomAD v4.1: 10 of 1,613,812 alleles (0.00062%); highest among the groups gnomAD compares: Admixed American, 0.0033%; no homozygotes.

Submissions (2):

Labcorp Genetics (formerly Invitae), Labcorp
Classification: Uncertain significance for Epidermolysis bullosa simplex 3, localized or generalized intermediate, with BP230 deficiency; Hereditary sensory and autonomic neuropathy type 6. Last evaluated: 2022-08-03. Review status: criteria provided, single submitter. Criteria: Invitae Variant Classification Sherloc (09022015). Collection method: clinical testing. Allele origin: germline.
Comment: The DST gene has multiple clinically relevant transcripts. This variant occurs in alternate transcript NM_015548.4, and corresponds to NM_001723.5:c.*151815G>T in the primary transcript. This sequence change replaces glycine, which is neutral and non-polar, with cysteine, which is neutral and slightly polar, at codon 4961 of the DST protein (p.Gly4961Cys). This variant is present in population databases (rs753485138, gnomAD 0.006%). This variant has not been reported in the literature in individuals affected with DST-related conditions. Experimental studies and prediction algorithms are not available or were not evaluated, and the functional significance of this variant is currently unknown. In summary, the available evidence is currently insufficient to determine the role of this variant in disease. Therefore, it has been classified as a Variant of Uncertain Significance.

Baylor Genetics
Classification: Uncertain significance for Epidermolysis bullosa simplex 3, localized or generalized intermediate, with BP230 deficiency. Last evaluated: 2018-11-23. Review status: criteria provided, single submitter. Criteria: ACMG Guidelines, 2015. Collection method: clinical testing. Allele origin: unknown. Affected: yes.
Comment: This variant was determined to be of uncertain significance according to ACMG Guidelines, 2015 [PMID:25741868].